The following is an entry in ClinVar:

NM_000098.3(CPT2):c.127A>G (p.Met43Val)

Genes: CPT2 (carnitine palmitoyltransferase 2; plus strand), LOC129930561 (ATAC-STARR-seq lymphoblastoid silent region 902; plus strand). Cytogenetic location: 1p32.3.
Variant type: single nucleotide variant.
Coding change: c.127A>G on transcript NM_000098.3 (MANE Select); coding-DNA position 127, A replaced by G.
Protein change: p.Met43Val; replaces methionine 43 with valine.
Molecular consequence: missense variant.
Genome position (GRCh38, 1-based): chr1:53,197,070, A>G. VCF-style: chr1-53197070-A-G. GRCh37 (hg19) VCF-style: chr1-53662742-A-G.
Other names: c.127A>G, p.Met43Val (NM_001330589.2); short protein forms M43V.
Identifiers: ClinVar variation 4706676 (VCV004706676.1).
Genomic context (GRCh38, chr1:53,197,070, plus strand): 5'-CGGCCCCTCAGCGCCGGCTCCGGGCCCGGCCAGTACCTGCAGCGCAGCATCGTGCCCACC[A>G]TGCACTACCAGGACAGCCTGCCCAGGTGAGCCTGGCCTCCGGGTCCCCGCCGCCCGCCGC-3'
Protein context (NP_000089.1, residues 33-53): QYLQRSIVPT[Met43Val]HYQDSLPRLP

ClinVar aggregate classification (germline): Uncertain significance (1 of 4 stars; one submission).

Conditions:
Carnitine palmitoyltransferase II deficiency. Also called: Carnitine Palmitoyltransferase 2 Deficiency. Identifiers: Orphanet 157, MedGen C0342790, MONDO:0015515.

Submission:

Labcorp Genetics (formerly Invitae), Labcorp
Classification: Uncertain significance for Carnitine palmitoyltransferase II deficiency. Last evaluated: 2025-03-20. Review status: criteria provided, single submitter. Criteria: Invitae Variant Classification Sherloc (09022015). Collection method: clinical testing. Allele origin: germline.
Comment: This sequence change replaces methionine, which is neutral and non-polar, with valine, which is neutral and non-polar, at codon 43 of the CPT2 protein (p.Met43Val). This variant is not present in population databases (gnomAD no frequency). This variant has not been reported in the literature in individuals affected with CPT2-related conditions. Invitae Evidence Modeling of protein sequence and biophysical properties (such as structural, functional, and spatial information, amino acid conservation, physicochemical variation, residue mobility, and thermodynamic stability) has been performed for this missense variant. However, the output from this modeling did not meet the statistical confidence thresholds required to predict the impact of this variant on CPT2 protein function. In summary, the available evidence is currently insufficient to determine the role of this variant in disease. Therefore, it has been classified as a Variant of Uncertain Significance.